The following is an entry in ClinVar:

NM_004168.4(SDHA):c.1738T>A (p.Tyr580Asn)

Gene: SDHA (succinate dehydrogenase complex flavoprotein subunit A; plus strand). Cytogenetic location: 5p15.33.
Variant type: single nucleotide variant.
Coding change: c.1738T>A on transcript NM_004168.4 (MANE Select); coding-DNA position 1738, T replaced by A.
Protein change: p.Tyr580Asn; replaces tyrosine 580 with asparagine.
Molecular consequence: missense variant. On other transcripts: intron variant (1).
Genome position (GRCh38, 1-based): chr5:251,412, T>A. VCF-style: chr5-251412-T-A. GRCh37 (hg19) VCF-style: chr5-251527-T-A.
Other names: c.1594T>A, p.Tyr532Asn (NM_001294332.2); c.1552-2981T>A (NM_001330758.2); c.1738T>A (NM_004168.2); short protein forms Y532N, Y580N.
Identifiers: ClinVar variation 2923274 (VCV002923274.5), dbSNP rs1042056, ClinGen allele CA112783577.

ClinVar aggregate classification (germline): Uncertain significance. Review status: criteria provided, multiple submitters, no conflicts (2 of 4 stars). 3 submissions from 3 submitters: Uncertain significance (3). Last evaluated 2025-08-18.

Conditions:
Hereditary cancer-predisposing syndrome. Also called: Neoplastic Syndromes, Hereditary; Tumor predisposition; Hereditary Cancer Syndrome; Hereditary neoplastic syndrome. Identifiers: Orphanet 140162, MedGen C0027672, MeSH D009386, MONDO:0015356.
Mitochondrial complex II deficiency, nuclear type 1. Also called: SUCCINATE CoQ REDUCTASE DEFICIENCY. Identifiers: Orphanet 3208, MedGen C5700310, MONDO:0100294, OMIM 252011.
Pheochromocytoma/paraganglioma syndrome 5. Also called: Paragangliomas 5; SDHA-Related Hereditary Paraganglioma-Pheochromocytoma Syndrome. Identifiers: Orphanet 29072, MedGen C3279992, MONDO:0013602, OMIM 614165.

Submissions (3):

Ambry Genetics
Classification: Uncertain significance for Hereditary cancer-predisposing syndrome. Last evaluated: 2025-08-18. Review status: criteria provided, single submitter. Criteria: Ambry Variant Classification Scheme 2023. Collection method: clinical testing. Allele origin: germline.
Comment: The p.Y580N variant (also known as c.1738T>A), located in coding exon 13 of the SDHA gene, results from a T to A substitution at nucleotide position 1738. The tyrosine at codon 580 is replaced by asparagine, an amino acid with dissimilar properties. This amino acid position is not well conserved in available vertebrate species. In addition, the in silico prediction for this alteration is inconclusive. Based on the available evidence, the clinical significance of this variant remains unclear.

Labcorp Genetics (formerly Invitae), Labcorp
Classification: Uncertain significance for Pheochromocytoma/paraganglioma syndrome 5; Mitochondrial complex II deficiency, nuclear type 1. Last evaluated: 2025-08-18. Review status: criteria provided, single submitter. Criteria: Invitae Variant Classification Sherloc (09022015). Collection method: clinical testing. Allele origin: germline.
Comment: This sequence change replaces tyrosine, which is neutral and polar, with asparagine, which is neutral and polar, at codon 580 of the SDHA protein (p.Tyr580Asn). The frequency data for this variant in the population databases is considered unreliable, as metrics indicate poor data quality at this position in the gnomAD database. This variant has not been reported in the literature in individuals affected with SDHA-related conditions. ClinVar contains an entry for this variant (Variation ID: 2923274). Invitae Evidence Modeling of protein sequence and biophysical properties (such as structural, functional, and spatial information, amino acid conservation, physicochemical variation, residue mobility, and thermodynamic stability) indicates that this missense variant is not expected to disrupt SDHA protein function with a negative predictive value of 95%. In summary, the available evidence is currently insufficient to determine the role of this variant in disease. Therefore, it has been classified as a Variant of Uncertain Significance.

GeneDx
Classification: Uncertain significance. Last evaluated: 2023-10-24. Review status: criteria provided, single submitter. Criteria: GeneDx Variant Classification Process June 2021. Collection method: clinical testing. Allele origin: germline. Affected: yes.
Comment: Not observed at significant frequency in large population cohorts (gnomAD); In silico analysis supports that this missense variant has a deleterious effect on protein structure/function; Has not been previously published as pathogenic or benign to our knowledge